The following is an entry in ClinVar:

NM_000416.3(IFNGR1):c.1009G>A (p.Glu337Lys)

Gene: IFNGR1 (interferon gamma receptor 1; minus strand). Cytogenetic location: 6q23.3.
Variant type: single nucleotide variant.
Coding change: c.1009G>A on transcript NM_000416.3 (MANE Select); coding-DNA position 1009, G replaced by A.
Protein change: p.Glu337Lys; replaces glutamic acid 337 with lysine.
Molecular consequence: missense variant.
Genome position (GRCh38, 1-based): chr6:137,198,492, C>T on the plus strand (G>A on the coding strand, the complement: IFNGR1 is on the minus strand). VCF-style: chr6-137198492-C-T. GRCh37 (hg19) VCF-style: chr6-137519629-C-T.
Other names: c.979G>A, p.Glu327Lys (NM_001363526.1); c.886G>A, p.Glu296Lys (NM_001363527.1); short protein forms E296K, E337K, E327K.
Identifiers: ClinVar variation 845969 (VCV000845969.11), dbSNP rs776745485, ClinGen allele CA4018830.
Genomic context (GRCh38, chr6:137,198,492, plus strand): 5'-TCACCACTTCTGTTATACTAGAAAGTTCTTCTGTATGTTCCACTTTTCCTGGATTGTCTT[C>T]GGTATGCATGCCTGGAACTGTTGCTGGAGACAACGGCTCTTCACAGACCACCTCCTTTTC-3'
Protein context (NP_000407.1, residues 327-347): SPATVPGMHT[Glu337Lys]DNPGKVEHTE

ClinVar aggregate classification (germline): Uncertain significance. Review status: criteria provided, multiple submitters, no conflicts (2 of 4 stars). 2 submissions from 2 submitters: Uncertain significance (2). Last evaluated 2025-10-05.

Conditions:
Disseminated atypical mycobacterial infection. Identifiers: MedGen C0694566.

Allele frequency attached by ClinVar (database versions not stated): ExAC 0.00002; gnomAD 0.00002 and 0.00003; gnomAD exomes 0.00002 and 0.00011; TOPMed 0.00003.
gnomAD v4.1: 159 of 1,613,976 alleles (0.0099%); highest among the groups gnomAD compares: Non-Finnish European, 0.013%; no homozygotes.

Submissions (2):

Labcorp Genetics (formerly Invitae), Labcorp
Classification: Uncertain significance for Disseminated atypical mycobacterial infection. Last evaluated: 2025-10-05. Review status: criteria provided, single submitter. Criteria: Invitae Variant Classification Sherloc (09022015). Collection method: clinical testing. Allele origin: germline.
Comment: This sequence change replaces glutamic acid, which is acidic and polar, with lysine, which is basic and polar, at codon 337 of the IFNGR1 protein (p.Glu337Lys). This variant is present in population databases (rs776745485, gnomAD 0.007%). This variant has not been reported in the literature in individuals affected with IFNGR1-related conditions. ClinVar contains an entry for this variant (Variation ID: 845969). Invitae Evidence Modeling of protein sequence and biophysical properties (such as structural, functional, and spatial information, amino acid conservation, physicochemical variation, residue mobility, and thermodynamic stability) indicates that this missense variant is not expected to disrupt IFNGR1 protein function with a negative predictive value of 80%. In summary, the available evidence is currently insufficient to determine the role of this variant in disease. Therefore, it has been classified as a Variant of Uncertain Significance.

GeneDx
Classification: Uncertain significance. Last evaluated: 2024-07-11. Review status: criteria provided, single submitter. Criteria: GeneDx Variant Classification Process June 2021. Collection method: clinical testing. Allele origin: germline. Affected: yes.
Comment: In silico analysis indicates that this missense variant does not alter protein structure/function; Has not been previously published as pathogenic or benign to our knowledge